The following is an entry in ClinVar:

ClinVar aggregate classification (germline): Uncertain significance (1 of 4 stars; one submission).

Submission:

Labcorp Genetics (formerly Invitae), Labcorp
Classification: Uncertain significance. Last evaluated: 2023-11-10. Review status: criteria provided, single submitter. Criteria: Invitae Variant Classification Sherloc (09022015). Collection method: clinical testing. Allele origin: germline.
Comment: This sequence change replaces valine, which is neutral and non-polar, with glutamic acid, which is acidic and polar, at codon 614 of the KDM1A protein (p.Val614Glu). This variant is not present in population databases (gnomAD no frequency). This variant has not been reported in the literature in individuals affected with KDM1A-related conditions. Advanced modeling of protein sequence and biophysical properties (such as structural, functional, and spatial information, amino acid conservation, physicochemical variation, residue mobility, and thermodynamic stability) performed at Invitae indicates that this missense variant is expected to disrupt KDM1A protein function with a positive predictive value of 80%. In summary, the available evidence is currently insufficient to determine the role of this variant in disease. Therefore, it has been classified as a Variant of Uncertain Significance.

NM_001009999.3(KDM1A):c.1841T>A (p.Val614Glu)

Gene: KDM1A (lysine demethylase 1A; plus strand). Cytogenetic location: 1p36.12.
Variant type: single nucleotide variant.
Coding change: c.1841T>A on transcript NM_001009999.3 (MANE Select); coding-DNA position 1841, T replaced by A.
Protein change: p.Val614Glu; replaces valine 614 with glutamic acid.
Molecular consequence: missense variant.
Genome position (GRCh38, 1-based): chr1:23,077,334, T>A. VCF-style: chr1-23077334-T-A. GRCh37 (hg19) VCF-style: chr1-23403827-T-A.
Other names: c.1787T>A, p.Val596Glu (NM_001363654.2); c.1847T>A, p.Val616Glu (NM_001410762.1); c.1769T>A, p.Val590Glu (NM_001410763.1, NM_015013.4); short protein forms V590E, V616E, V596E, V614E.
Identifiers: ClinVar variation 2748802 (VCV002748802.3), dbSNP rs2522780951, ClinGen allele CA338970385.